The following is an entry in ClinVar:

ClinVar aggregate classification (germline): Likely pathogenic (1 of 4 stars; one submission).

Conditions:
Neurofibromatosis, type 1 (NF1). Also called: Neurofibromatosis, type I; NEUROFIBROMATOSIS, TYPE I, SOMATIC; Peripheral type neurofibromatosis; VON RECKLINGHAUSEN DISEASE. Identifiers: Orphanet 636, MedGen C0027831, MONDO:0018975, OMIM 162200. Disease mechanism: loss of function.

Submission:

Labcorp Genetics (formerly Invitae), Labcorp
Classification: Likely pathogenic for Neurofibromatosis, type 1. Last evaluated: 2023-05-11. Review status: criteria provided, single submitter. Criteria: Invitae Variant Classification Sherloc (09022015). Collection method: clinical testing. Allele origin: germline.
Comment: In summary, the currently available evidence indicates that the variant is pathogenic, but additional data are needed to prove that conclusively. Therefore, this variant has been classified as Likely Pathogenic. Algorithms developed to predict the effect of sequence changes on RNA splicing suggest that this variant may disrupt the consensus splice site. This variant has not been reported in the literature in individuals affected with NF1-related conditions. This variant is not present in population databases (gnomAD no frequency). This sequence change affects a splice site in intron 8 of the NF1 gene. It is expected to disrupt RNA splicing. Variants that disrupt the donor or acceptor splice site typically lead to a loss of protein function (PMID: 16199547), and loss-of-function variants in NF1 are known to be pathogenic (PMID: 10712197, 23913538).

Literature cited by the submitters: PubMed 16199547; PubMed 10712197; PubMed 23913538.

NM_001042492.3(NF1):c.888+2_888+5del

Gene: NF1 (neurofibromin 1; plus strand). Cytogenetic location: 17q11.2.
Variant type: Deletion.
Coding change: c.888+2_888+5del on transcript NM_001042492.3 (MANE Select); the canonical splice donor site of the intron after coding-DNA position 888 through 5 bases into the intron after coding-DNA position 888, 4 bases deleted (TAAG; older notation c.888+2_888+5delTAAG).
Molecular consequence: splice donor variant.
Genome position (GRCh38, 1-based): chr17:31,182,667-31,182,670, TAAG deleted; deleting any 4 consecutive bases within chr17:31,182,666-31,182,670 gives the same sequence; the c. name uses the placement nearest the transcript's 3' end. VCF-style (leftmost placement, unchanged base first): chr17-31182665-GGTAA-G. GRCh37 (hg19) VCF-style: chr17-29509683-GGTAA-G.
Other names: c.888+2_888+5del (NM_000267.4, NM_001128147.3).
Identifiers: ClinVar variation 2863498 (VCV002863498.3), dbSNP rs2544754396, ClinGen allele CA2739267324.